The following is an entry in ClinVar:

NM_018406.7(MUC4):c.4638C>T (p.Ser1546=)

Gene: MUC4 (mucin 4, cell surface associated). Cytogenetic location: 3q29.
Variant type: single nucleotide variant.
Coding change: c.4638C>T on transcript NM_018406.7 (MANE Select); coding-DNA position 4638, C replaced by T.
Protein change: p.Ser1546=; no amino-acid change (serine 1546 retained).
Molecular consequence: synonymous variant. On other transcripts: intron variant (2).
Genome position (GRCh38, 1-based): chr3:195,786,942, G>A on the plus strand (C>T on the coding strand, the complement: MUC4 is on the minus strand). VCF-style: chr3-195786942-G-A. GRCh37 (hg19) VCF-style: chr3-195513813-G-A.
Other names: c.83-12637C>T (NM_138297.5); c.83-8487C>T (NM_004532.6).
Identifiers: ClinVar variation 4534134 (VCV004534134.6).

ClinVar aggregate classification (germline): Likely benign (1 of 4 stars; one submission).

Submission:

CeGaT Center for Human Genetics Tuebingen
Classification: Likely benign. Last evaluated: 2025-10-01. Review status: criteria provided, single submitter. Criteria: CeGaT Center For Human Genetics Tuebingen Variant Classification Criteria Version 2. Collection method: clinical testing. Allele origin: germline. Affected: yes. Observed: 1 variant allele.
Comment: MUC4: BP4, BP7